The following is an entry in ClinVar:

ClinVar aggregate classification (germline): Uncertain significance. Review status: criteria provided, multiple submitters, no conflicts (2 of 4 stars). 2 submissions from 2 submitters: Uncertain significance (2). Last evaluated 2026-06-08.

Conditions:
Hereditary cancer-predisposing syndrome. Also called: Hereditary Cancer Syndrome; Neoplastic Syndromes, Hereditary; Tumor predisposition; Hereditary neoplastic syndrome. Identifiers: Orphanet 140162, MedGen C0027672, MeSH D009386, MONDO:0015356.

Submissions (2):

Ambry Genetics
Classification: Uncertain significance for Hereditary cancer-predisposing syndrome. Last evaluated: 2026-06-08. Review status: criteria provided, single submitter. Criteria: Ambry Variant Classification Scheme 2023. Collection method: clinical testing. Allele origin: germline.
Comment: The p.A1699P variant (also known as c.5095G>C), located in coding exon 38 of the POLE gene, results from a G to C substitution at nucleotide position 5095. The alanine at codon 1699 is replaced by proline, an amino acid with highly similar properties. This amino acid position is conserved. In addition, the in silico prediction for this alteration is inconclusive. Based on the available evidence, the clinical significance of this variant remains unclear.

Labcorp Genetics (formerly Invitae), Labcorp
Classification: Uncertain significance. Last evaluated: 2025-09-06. Review status: criteria provided, single submitter. Criteria: Invitae Variant Classification Sherloc (09022015). Collection method: clinical testing. Allele origin: germline.
Comment: This sequence change replaces alanine, which is neutral and non-polar, with proline, which is neutral and non-polar, at codon 1699 of the POLE protein (p.Ala1699Pro). This variant is not present in population databases (gnomAD no frequency). This variant has not been reported in the literature in individuals affected with POLE-related conditions. ClinVar contains an entry for this variant (Variation ID: 960346). Invitae Evidence Modeling of protein sequence and biophysical properties (such as structural, functional, and spatial information, amino acid conservation, physicochemical variation, residue mobility, and thermodynamic stability) indicates that this missense variant is not expected to disrupt POLE protein function with a negative predictive value of 80%. In summary, the available evidence is currently insufficient to determine the role of this variant in disease. Therefore, it has been classified as a Variant of Uncertain Significance.

NM_006231.4(POLE):c.5095G>C (p.Ala1699Pro)

Gene: POLE (DNA polymerase epsilon, catalytic subunit; minus strand). Cytogenetic location: 12q24.33.
Variant type: single nucleotide variant.
Coding change: c.5095G>C on transcript NM_006231.4 (MANE Select); coding-DNA position 5095, G replaced by C.
Protein change: p.Ala1699Pro; replaces alanine 1699 with proline.
Molecular consequence: missense variant.
Genome position (GRCh38, 1-based): chr12:132,642,255, C>G on the plus strand (G>C on the coding strand, the complement: POLE is on the minus strand). VCF-style: chr12-132642255-C-G. GRCh37 (hg19) VCF-style: chr12-133218841-C-G.
Other names: c.5095G>C (NM_006231.2); short protein forms A1699P.
Identifiers: ClinVar variation 960346 (VCV000960346.10), dbSNP rs1256635297, ClinGen allele CA387376942.
Genomic context (GRCh38, chr12:132,642,255, plus strand): 5'-AACTGTTGATCTCAACAGTGGCTTGGTCATCGAACTCCATGACAAGACAGTTGTCATCAG[C>G]CTCCTTTCCACCCAGGTCAGGGCGGGCTGTAGGGGACAGCCAGAGCAGGTGGTTGTGGCG-3'
Protein context (NP_006222.2, residues 1689-1709): TARPDLGGKE[Ala1699Pro]DDNCLVMEFD